The following is an entry in ClinVar:

NM_000091.5(COL4A3):c.318A>C (p.Gly106=)

Genes: COL4A3 (collagen type IV alpha 3 chain; plus strand), MFF-DT (MFF divergent transcript; minus strand). Cytogenetic location: 2q36.3.
Variant type: single nucleotide variant.
Coding change: c.318A>C on transcript NM_000091.5 (MANE Select); coding-DNA position 318, A replaced by C.
Protein change: p.Gly106=; no amino-acid change (glycine 106 retained).
Molecular consequence: synonymous variant.
Genome position (GRCh38, 1-based): chr2:227,244,989, A>C. VCF-style: chr2-227244989-A-C. GRCh37 (hg19) VCF-style: chr2-228109705-A-C.
Identifiers: ClinVar variation 4527967 (VCV004527967.1).
Genomic context (GRCh38, chr2:227,244,989, plus strand): 5'-CTCCTTTTTCCTATGTCTTCAGGGAATAAGTGGATTGCCAGGATTTTCTGGTTCTCCTGG[A>C]CTTCCAGTAAGTAATGGGAAAAATCCGTAGCTAGAAAATTTAAAAGTAAGCTCATTTTAA-3'
Protein context (NP_000082.2, residues 96-116): SGLPGFSGSP[Gly106=]LPGTPGNTGP

ClinVar aggregate classification (germline): Uncertain significance (1 of 4 stars; one submission).

Submission:

GeneDx
Classification: Uncertain significance. Last evaluated: 2025-05-08. Review status: criteria provided, single submitter. Criteria: GeneDx Variant Classification Process June 2021. Collection method: clinical testing. Allele origin: germline. Affected: yes.
Comment: Not observed at significant frequency in large population cohorts (gnomAD); In silico analysis suggests that this variant does not alter splicing; Has not been previously published as pathogenic or benign to our knowledge